The following is an entry in ClinVar:

ClinVar aggregate classification (germline): Uncertain significance (1 of 4 stars; one submission).

Conditions:
Catecholaminergic polymorphic ventricular tachycardia 1. Also called: VENTRICULAR TACHYCARDIA, STRESS-INDUCED POLYMORPHIC 1; VENTRICULAR TACHYCARDIA, CATECHOLAMINERGIC POLYMORPHIC, 1, WITH OR WITHOUT ATRIAL DYSFUNCTION AND/OR DILATED CARDIOMYOPATHY; RYR2-Related Catecholaminergic Polymorphic Ventricular Tachycardia. Identifiers: Orphanet 3286, MedGen C1631597, MONDO:0011484, OMIM 604772.

Submission:

Labcorp Genetics (formerly Invitae), Labcorp
Classification: Uncertain significance for Catecholaminergic polymorphic ventricular tachycardia 1. Last evaluated: 2021-11-08. Review status: criteria provided, single submitter. Criteria: Invitae Variant Classification Sherloc (09022015). Collection method: clinical testing. Allele origin: germline.
Comment: This sequence change replaces phenylalanine, which is neutral and non-polar, with leucine, which is neutral and non-polar, at codon 1571 of the RYR2 protein (p.Phe1571Leu). This variant is not present in population databases (gnomAD no frequency). This variant has not been reported in the literature in individuals affected with RYR2-related conditions. Advanced modeling of protein sequence and biophysical properties (such as structural, functional, and spatial information, amino acid conservation, physicochemical variation, residue mobility, and thermodynamic stability) performed at Invitae indicates that this missense variant is expected to disrupt RYR2 protein function. In summary, the available evidence is currently insufficient to determine the role of this variant in disease. Therefore, it has been classified as a Variant of Uncertain Significance.

NM_001035.3(RYR2):c.4713C>A (p.Phe1571Leu)

Gene: RYR2 (ryanodine receptor 2; plus strand). Cytogenetic location: 1q43.
Variant type: single nucleotide variant.
Coding change: c.4713C>A on transcript NM_001035.3 (MANE Select); coding-DNA position 4713, C replaced by A.
Protein change: p.Phe1571Leu; replaces phenylalanine 1571 with leucine.
Molecular consequence: missense variant.
Genome position (GRCh38, 1-based): chr1:237,610,791, C>A. VCF-style: chr1-237610791-C-A. GRCh37 (hg19) VCF-style: chr1-237774091-C-A.
Other names: short protein forms F1571L.
Identifiers: ClinVar variation 1404832 (VCV001404832.7), dbSNP rs2148572561, ClinGen allele CA345402273.